The following is an entry in ClinVar:

ClinVar aggregate classification (germline): Uncertain significance. Review status: criteria provided, multiple submitters, no conflicts (2 of 4 stars). 2 submissions from 2 submitters: Uncertain significance (2). Last evaluated 2025-12-01.

Allele frequency attached by ClinVar (database versions not stated): gnomAD exomes 0.00001 and below 0.00001; TOPMed 0.00002; gnomAD 0.00003; ESP Exome Variant Server 0.00008; ExAC 0.00002.
gnomAD v4.1: 8 of 1,614,092 alleles (0.0005%); highest among the groups gnomAD compares: African/African-American, 0.0093%; no homozygotes.

Submissions (2):

Labcorp Genetics (formerly Invitae), Labcorp
Classification: Uncertain significance. Last evaluated: 2025-12-01. Review status: criteria provided, single submitter. Criteria: Invitae Variant Classification Sherloc (09022015). Collection method: clinical testing. Allele origin: germline.
Comment: This sequence change replaces threonine with isoleucine at codon 2131 of the CEP250 protein (p.Thr2131Ile). The threonine residue is weakly conserved and there is a moderate physicochemical difference between threonine and isoleucine. This variant is present in population databases (rs367689715, gnomAD 0.02%). This variant has not been reported in the literature in individuals affected with CEP250-related conditions. ClinVar contains an entry for this variant (Variation ID: 1361103). An algorithm developed to predict the effect of missense changes on protein structure and function (PolyPhen-2) suggests that this variant is likely to be tolerated. In summary, the available evidence is currently insufficient to determine the role of this variant in disease. Therefore, it has been classified as a Variant of Uncertain Significance.

Ambry Genetics
Classification: Uncertain significance. Last evaluated: 2023-02-27. Review status: criteria provided, single submitter. Criteria: Ambry Variant Classification Scheme 2023. Collection method: clinical testing. Allele origin: germline.

NM_007186.6(CEP250):c.6392C>T (p.Thr2131Ile)

Gene: CEP250 (centrosomal protein 250; plus strand). Cytogenetic location: 20q11.22.
Variant type: single nucleotide variant.
Coding change: c.6392C>T on transcript NM_007186.6 (MANE Select); coding-DNA position 6392, C replaced by T.
Protein change: p.Thr2131Ile; replaces threonine 2131 with isoleucine.
Molecular consequence: missense variant.
Genome position (GRCh38, 1-based): chr20:35,504,761, C>T. VCF-style: chr20-35504761-C-T. GRCh37 (hg19) VCF-style: chr20-34092589-C-T.
Other names: c.6392C>T (NM_007186.3); c.4496C>T, p.Thr1499Ile (NM_001318219.1); short protein forms T1499I, T2131I.
Identifiers: ClinVar variation 1361103 (VCV001361103.8), dbSNP rs367689715, ClinGen allele CA9834056.